The following is an entry in ClinVar:

ClinVar aggregate classification (germline): Uncertain significance (1 of 4 stars; one submission).

Conditions:
Congenital contractural arachnodactyly (CCA). Also called: BEALS SYNDROME; Arthrogryposis, distal, type 9; Beals-Hecht syndrome. Identifiers: Orphanet 115, MedGen C0220668, MONDO:0007363, OMIM 121050.

Submission:

Labcorp Genetics (formerly Invitae), Labcorp
Classification: Uncertain significance for Congenital contractural arachnodactyly. Last evaluated: 2021-04-28. Review status: criteria provided, single submitter. Criteria: Invitae Variant Classification Sherloc (09022015). Collection method: clinical testing. Allele origin: germline.
Comment: This sequence change replaces cysteine with tyrosine at codon 2699 of the FBN2 protein (p.Cys2699Tyr). The cysteine residue is highly conserved and there is a large physicochemical difference between cysteine and tyrosine. Advanced modeling of protein sequence and biophysical properties (such as structural, functional, and spatial information, amino acid conservation, physicochemical variation, residue mobility, and thermodynamic stability) performed at Invitae indicates that this missense variant is expected to disrupt FBN2 protein function. This variant is not present in population databases (ExAC no frequency). This variant has not been reported in the literature in individuals with FBN2-related conditions. In summary, the available evidence is currently insufficient to determine the role of this variant in disease. Therefore, it has been classified as a Variant of Uncertain Significance.

NM_001999.4(FBN2):c.8096G>A (p.Cys2699Tyr)

Gene: FBN2 (fibrillin 2; minus strand). Cytogenetic location: 5q23.3.
Variant type: single nucleotide variant.
Coding change: c.8096G>A on transcript NM_001999.4 (MANE Select); coding-DNA position 8096, G replaced by A.
Protein change: p.Cys2699Tyr; replaces cysteine 2699 with tyrosine.
Molecular consequence: missense variant.
Genome position (GRCh38, 1-based): chr5:128,263,521, C>T on the plus strand (G>A on the coding strand, the complement: FBN2 is on the minus strand). VCF-style: chr5-128263521-C-T. GRCh37 (hg19) VCF-style: chr5-127599213-C-T.
Other names: short protein forms C2699Y.
Identifiers: ClinVar variation 1446096 (VCV001446096.8), dbSNP rs2126795584, ClinGen allele CA360748508.